The following is an entry in ClinVar:

ClinVar aggregate classification (germline): Uncertain significance (1 of 4 stars; one submission).

Conditions:
EGFR-related lung cancer (EGFR). Identifiers: MedGen CN130014.

Submission:

Labcorp Genetics (formerly Invitae), Labcorp
Classification: Uncertain significance for EGFR-related lung cancer. Last evaluated: 2025-02-12. Review status: criteria provided, single submitter. Criteria: Invitae Variant Classification Sherloc (09022015). Collection method: clinical testing. Allele origin: germline.
Comment: This sequence change replaces valine, which is neutral and non-polar, with alanine, which is neutral and non-polar, at codon 660 of the EGFR protein (p.Val660Ala). This variant is not present in population databases (gnomAD no frequency). This variant has not been reported in the literature in individuals affected with EGFR-related conditions. Invitae Evidence Modeling of protein sequence and biophysical properties (such as structural, functional, and spatial information, amino acid conservation, physicochemical variation, residue mobility, and thermodynamic stability) indicates that this missense variant is not expected to disrupt EGFR protein function with a negative predictive value of 80%. In summary, the available evidence is currently insufficient to determine the role of this variant in disease. Therefore, it has been classified as a Variant of Uncertain Significance.

NM_005228.5(EGFR):c.1979T>C (p.Val660Ala)

Gene: EGFR (epidermal growth factor receptor; plus strand). Cytogenetic location: 7p11.2.
Variant type: single nucleotide variant.
Coding change: c.1979T>C on transcript NM_005228.5 (MANE Select); coding-DNA position 1979, T replaced by C.
Protein change: p.Val660Ala; replaces valine 660 with alanine.
Molecular consequence: missense variant.
Genome position (GRCh38, 1-based): chr7:55,173,042, T>C. VCF-style: chr7-55173042-T-C. GRCh37 (hg19) VCF-style: chr7-55240735-T-C.
Other names: c.1844T>C, p.Val615Ala (NM_001346897.2, NM_001346899.2); c.1979T>C, p.Val660Ala (NM_001346898.2); c.1820T>C, p.Val607Ala (NM_001346900.2); c.1178T>C, p.Val393Ala (NM_001346941.2); short protein forms V393A, V660A, V615A, V607A.
Identifiers: ClinVar variation 4732584 (VCV004732584.1).